The following is an entry in ClinVar:

NM_000531.6(OTC):c.958C>A (p.Arg320=)

Gene: OTC (ornithine transcarbamylase; plus strand). Cytogenetic location: Xp11.4.
Variant type: single nucleotide variant.
Coding change: c.958C>A on transcript NM_000531.6 (MANE Select); coding-DNA position 958, C replaced by A.
Protein change: p.Arg320=; no amino-acid change (arginine 320 retained).
Molecular consequence: synonymous variant.
Genome position (GRCh38, 1-based): chrX:38,411,952, C>A. VCF-style: chrX-38411952-C-A. GRCh37 (hg19) VCF-style: chrX-38271205-C-A.
Other names: c.958C>A, p.Arg320= (NM_001407092.1).
Identifiers: ClinVar variation 4685073 (VCV004685073.1).

ClinVar aggregate classification (germline): Uncertain significance (1 of 4 stars; one submission).

gnomAD v4.1: 1 of 1,207,287 alleles (0.000083%); highest among the groups gnomAD compares: African/African-American, 0.0018%; no homozygotes.

Submission:

GeneDx
Classification: Uncertain significance. Last evaluated: 2025-07-08. Review status: criteria provided, single submitter. Criteria: GeneDx Variant Classification Process June 2021. Collection method: clinical testing. Allele origin: germline. Affected: yes.
Comment: Not observed at significant frequency in large population cohorts (gnomAD); Has not been previously published as pathogenic or benign to our knowledge; In silico analysis is inconclusive as to whether the variant alters gene splicing. In the absence of RNA/functional studies, the actual effect of this sequence change is unknown.